The following is an entry in ClinVar:

ClinVar aggregate classification (germline): Conflicting classifications of pathogenicity. Review status: criteria provided, conflicting classifications (1 of 4 stars). 5 submissions from 5 submitters: Uncertain significance (1); Likely benign (4). Last evaluated 2026-03-01.

Conditions:
FAM20A-related disorder. Also called: FAM20A-related condition.
Inborn genetic diseases. Identifiers: MedGen C0950123, MeSH D030342.

Allele frequency attached by ClinVar (database versions not stated): gnomAD 0.00074 and 0.00070; gnomAD exomes 0.00017 and 0.00022; ESP Exome Variant Server 0.00054; ExAC 0.00056; TOPMed 0.00065; 1000 Genomes Project 0.00020.
gnomAD v4.1: 351 of 1,605,034 alleles (0.022%); highest among the groups gnomAD compares: African/African-American, 0.19%; no homozygotes.

Submissions (5):

CeGaT Center for Human Genetics Tuebingen
Classification: Likely benign. Last evaluated: 2026-03-01. Review status: criteria provided, single submitter. Criteria: CeGaT Center For Human Genetics Tuebingen Variant Classification Criteria Version 2. Collection method: clinical testing. Allele origin: germline. Affected: yes. Observed: 3 variant alleles.
Comment: PRKAR1A: BS1

Labcorp Genetics (formerly Invitae), Labcorp
Classification: Likely benign. Last evaluated: 2025-10-01. Review status: criteria provided, single submitter. Criteria: Invitae Variant Classification Sherloc (09022015). Collection method: clinical testing. Allele origin: germline.

GeneDx
Classification: Uncertain significance. Last evaluated: 2025-07-08. Review status: criteria provided, single submitter. Criteria: GeneDx Variant Classification Process June 2021. Collection method: clinical testing. Allele origin: germline. Affected: yes.
Comment: In silico analysis suggests that this missense variant does not alter protein structure/function; Has not been previously published as pathogenic or benign to our knowledge

PreventionGenetics, part of Exact Sciences
Classification: Likely benign for FAM20A-related condition. Last evaluated: 2025-02-12. Review status: criteria provided, single submitter. Criteria: ACMG Guidelines, 2015. Collection method: clinical testing. Allele origin: germline.
Comment: This variant is classified as likely benign based on ACMG/AMP sequence variant interpretation guidelines (Richards et al. 2015 PMID: 25741868, with internal and published modifications).

Ambry Genetics
Classification: Likely benign for Inborn genetic diseases. Last evaluated: 2024-08-21. Review status: criteria provided, single submitter. Criteria: Ambry Variant Classification Scheme 2023. Collection method: clinical testing. Allele origin: germline.

NM_017565.4(FAM20A):c.1166A>G (p.Asn389Ser)

Genes: FAM20A (FAM20A golgi associated secretory pathway pseudokinase; minus strand), PRKAR1A (protein kinase cAMP-dependent type I regulatory subunit alpha; plus strand). Cytogenetic location: 17q24.2.
Variant type: single nucleotide variant.
Coding change: c.1166A>G on transcript NM_017565.4 (MANE Select); coding-DNA position 1166, A replaced by G.
Protein change: p.Asn389Ser; replaces asparagine 389 with serine.
Molecular consequence: missense variant. On other transcripts: non-coding transcript variant (1), intron variant (1).
Genome position (GRCh38, 1-based): chr17:68,540,902, T>C on the plus strand (A>G on the coding strand, the complement: FAM20A is on the minus strand). VCF-style: chr17-68540902-T-C. GRCh37 (hg19) VCF-style: chr17-66537043-T-C.
Other names: c.752A>G, p.Asn251Ser (NM_001243746.2); c.974-10182T>C (NM_001276290.1); short protein forms N251S, N389S.
Identifiers: ClinVar variation 1531814 (VCV001531814.32), dbSNP rs143268382, ClinGen allele CA8729784.